The following is an entry in ClinVar:

NM_030665.4(RAI1):c.231G>A (p.Lys77=)

Gene: RAI1 (retinoic acid induced 1; plus strand). Cytogenetic location: 17p11.2.
Variant type: single nucleotide variant.
Coding change: c.231G>A on transcript NM_030665.4 (MANE Select); coding-DNA position 231, G replaced by A.
Protein change: p.Lys77=; no amino-acid change (lysine 77 retained).
Molecular consequence: synonymous variant.
Genome position (GRCh38, 1-based): chr17:17,793,179, G>A. VCF-style: chr17-17793179-G-A. GRCh37 (hg19) VCF-style: chr17-17696493-G-A.
Other names: c.231G>A (NM_030665.3).
Identifiers: ClinVar variation 2420010 (VCV002420010.8), dbSNP rs1264216386, ClinGen allele CA498422501.
Genomic context (GRCh38, chr17:17,793,179, plus strand): 5'-GAGCTATGAGGGTGGCGCTGGCACGCCCTCTGGCACTGCAGCCGCGGTGGCCGCCGACAA[G>A]TACCACCGAGGCAGCAAGGCCCTGCCCACACAGCAAGGCCTGCAGGGGAGGCCGGCTTTC-3'
Protein context (NP_109590.3, residues 67-87): SGTAAAVAAD[Lys77=]YHRGSKALPT

ClinVar aggregate classification (germline): Likely benign. Review status: criteria provided, multiple submitters, no conflicts (2 of 4 stars). 2 submissions from 2 submitters: Likely benign (2). Last evaluated 2024-10-26.

Conditions:
RAI1-related disorder. Also called: RAI1-related condition.

Allele frequency attached by ClinVar (database versions not stated): gnomAD exomes below 0.00001; gnomAD 0.00001; TOPMed 0.00001.

Submissions (2):

PreventionGenetics, part of Exact Sciences
Classification: Likely benign for RAI1-related condition. Last evaluated: 2024-10-26. Review status: criteria provided, single submitter. Criteria: ACMG Guidelines, 2015. Collection method: clinical testing. Allele origin: germline.
Comment: This variant is classified as likely benign based on ACMG/AMP sequence variant interpretation guidelines (Richards et al. 2015 PMID: 25741868, with internal and published modifications).

Labcorp Genetics (formerly Invitae), Labcorp
Classification: Likely benign. Last evaluated: 2023-07-07. Review status: criteria provided, single submitter. Criteria: Invitae Variant Classification Sherloc (09022015). Collection method: clinical testing. Allele origin: germline.